The following is an entry in ClinVar:

ClinVar aggregate classification (germline): Uncertain significance (1 of 4 stars; one submission).

Conditions:
Familial cold autoinflammatory syndrome 2 (FCAS2). Identifiers: Orphanet 247868, MedGen C2673198, MONDO:0012724, OMIM 611762.

Submission:

Labcorp Genetics (formerly Invitae), Labcorp
Classification: Uncertain significance for Familial cold autoinflammatory syndrome 2. Last evaluated: 2021-12-19. Review status: criteria provided, single submitter. Criteria: Invitae Variant Classification Sherloc (09022015). Collection method: clinical testing. Allele origin: germline.
Comment: This variant, c.3120_3122dup, results in the insertion of 1 amino acid(s) of the NLRP12 protein (p.Asn1040dup), but otherwise preserves the integrity of the reading frame. This variant is not present in population databases (gnomAD no frequency). In summary, the available evidence is currently insufficient to determine the role of this variant in disease. Therefore, it has been classified as a Variant of Uncertain Significance. This variant has not been reported in the literature in individuals affected with NLRP12-related conditions.

NM_144687.4(NLRP12):c.3120_3122dup (p.Asn1040_Lys1041insAsn)

Gene: NLRP12 (NLR family pyrin domain containing 12; minus strand). Cytogenetic location: 19q13.42.
Variant type: Duplication.
Coding change: c.3120_3122dup on transcript NM_144687.4 (MANE Select); coding-DNA positions 3120 to 3122, 3 bases duplicated (TAA; older notation c.3120_3122dupTAA).
Protein change: p.Asn1040_Lys1041insAsn.
Molecular consequence: inframe insertion.
Genome position (GRCh38, 1-based): chr19:53,794,113-53,794,115, TTA duplicated on the plus strand (TAA on the coding strand, the reverse complement: NLRP12 is on the minus strand); duplicating any 3 consecutive bases within chr19:53,794,113-53,794,117 gives the same sequence; the c. name uses the placement nearest the transcript's 3' end. VCF-style (leftmost placement, unchanged base first): chr19-53794112-T-TTTA. GRCh37 (hg19) VCF-style: chr19-54297366-T-TTTA.
Other names: c.3123_3125dup, p.Asn1041_Lys1042insAsn (NM_001277126.2); c.2949_2951dup, p.Asn983_Lys984insAsn (NM_001277129.1).
Identifiers: ClinVar variation 2047679 (VCV002047679.4), dbSNP rs2514196227, ClinGen allele CA2580097743.